The following is an entry in ClinVar:

ClinVar aggregate classification (germline): Benign/Likely benign. Review status: criteria provided, multiple submitters, no conflicts (2 of 4 stars). 14 submissions from 13 submitters: Benign (8); Likely benign (4). 2 of the submissions do not count toward it. Last evaluated 2026-04-02.

Conditions:
Retinal dystrophy. Also called: Inherited retinal dystrophy. Identifiers: Orphanet 71862, MedGen C0854723, MeSH D058499, MONDO:0019118, HP:0000556.
Usher syndrome type 2A. Also called: RETINAL DISEASE IN USHER SYNDROME TYPE IIA, MODIFIER OF; USHER SYNDROME, TYPE IIA. Identifiers: Orphanet 231178, Orphanet 886, MedGen C1848634, MONDO:0010169, OMIM 276901.
Retinitis pigmentosa 39 (RP39). Identifiers: Orphanet 791, MedGen C3151138, MONDO:0013436, OMIM 613809.
Retinitis pigmentosa (RP). Identifiers: Orphanet 791, MedGen C0035334, MeSH D012174, MONDO:0019200, OMIM 268000. Inheritance: Autosomal dominant, autosomal recessive and X linked inheritance.

Allele frequency attached by ClinVar (database versions not stated): 1000 Genomes Project 30x 0.03264; 1000 Genomes Project 0.03454; gnomAD 0.04940 and 0.05002; TOPMed 0.05066; ExAC 0.05775; gnomAD exomes 0.05810 and 0.06796; ESP Exome Variant Server 0.06051.
gnomAD v4.1: 107,281 of 1,613,914 alleles (6.6%); highest among the groups gnomAD compares: Middle Eastern, 14%; 4,060 homozygotes.

Submissions (14):

Women's Health and Genetics/Laboratory Corporation of America, LabCorp
Classification: Likely benign. Last evaluated: 2026-04-02. Review status: criteria provided, single submitter. Criteria: LabCorp Variant Classification Summary - May 2015. Collection method: clinical testing. Allele origin: germline.

Labcorp Genetics (formerly Invitae), Labcorp
Classification: Benign. Last evaluated: 2026-02-04. Review status: criteria provided, single submitter. Criteria: Invitae Variant Classification Sherloc (09022015). Collection method: clinical testing. Allele origin: germline.

Dept Of Ophthalmology, Nagoya University
Classification: Benign for Retinal dystrophy. Last evaluated: 2023-10-01. Review status: criteria provided, single submitter. Criteria: Submitter's publication. Collection method: research. Allele origin: germline. Affected: yes.

Fulgent Genetics
Classification: Likely benign for Usher syndrome type 2A; Retinitis pigmentosa 39. Last evaluated: 2021-11-03. Review status: criteria provided, single submitter. Criteria: ACMG Guidelines, 2015. Collection method: clinical testing. Allele origin: unknown.

Genome-Nilou Lab
Classification: Benign for Usher syndrome type 2A. Last evaluated: 2021-07-01. Review status: criteria provided, single submitter. Criteria: ACMG Guidelines, 2015. Collection method: clinical testing. Allele origin: germline. Affected: no.

Mayo Clinic Laboratories, Mayo Clinic
Classification: Benign. Last evaluated: 2021-02-19. Review status: criteria provided, single submitter. Criteria: ACMG Guidelines, 2015. Collection method: clinical testing. Allele origin: germline. Observed: 21 variant alleles.

Illumina Laboratory Services, Illumina
Classification: Benign for Usher syndrome type 2A. Last evaluated: 2018-01-13. Review status: criteria provided, single submitter. Criteria: ICSL Variant Classification Criteria 13 December 2019. Collection method: clinical testing. Allele origin: germline.
Comment: This variant was observed in the ICSL laboratory as part of a predisposition screen in an ostensibly healthy population. It had not been previously curated by ICSL or reported in the Human Gene Mutation Database (HGMD: prior to June 1st, 2018), and was therefore a candidate for classification through an automated scoring system. Utilizing variant allele frequency, disease prevalence and penetrance estimates, and inheritance mode, an automated score was calculated to assess if this variant is too frequent to cause the disease. Based on the score and internal cut-off values, a variant classified as benign is not then subjected to further curation. The score for this variant resulted in a classification of benign for this disease.

Illumina Laboratory Services, Illumina
Classification: Likely benign for Retinitis pigmentosa. Last evaluated: 2018-01-13. Review status: criteria provided, single submitter. Criteria: ICSL Variant Classification Criteria 13 December 2019. Collection method: clinical testing. Allele origin: germline.
Comment: This variant was observed in the ICSL laboratory as part of a predisposition screen in an ostensibly healthy population. It had not been previously curated by ICSL or reported in the Human Gene Mutation Database (HGMD: prior to June 1st, 2018), and was therefore a candidate for classification through an automated scoring system. Utilizing variant allele frequency, disease prevalence and penetrance estimates, and inheritance mode, an automated score was calculated to assess if this variant is too frequent to cause the disease. Based on the score and internal cut-off values, a variant classified as likely benign is not then subjected to further curation. The score for this variant resulted in a classification of likely benign for this disease.

GeneDx
Classification: Benign. Last evaluated: 2011-08-02. Review status: criteria provided, single submitter. Criteria: GeneDx Variant Classification (06012015). Collection method: clinical testing. Allele origin: germline. Affected: yes.
Comment: This variant is considered likely benign or benign based on one or more of the following criteria: it is a conservative change, it occurs at a poorly conserved position in the protein, it is predicted to be benign by multiple in silico algorithms, and/or has population frequency not consistent with disease.

Laboratory for Molecular Medicine, Mass General Brigham Personalized Medicine
Classification: Benign. Last evaluated: 2008-02-19. Review status: criteria provided, single submitter. Criteria: LMM Criteria. Collection method: clinical testing. Allele origin: germline. Observed: 302 variant alleles.

Breakthrough Genomics
Classification: Likely benign. Review status: criteria provided, single submitter. Criteria: ACMG Guidelines, 2015. Collection method: not provided. Allele origin: germline. Inheritance: Autosomal recessive inheritance. Affected: yes.

PreventionGenetics, part of Exact Sciences
Classification: Benign. Review status: criteria provided, single submitter. Criteria: ACMG Guidelines, 2015. Collection method: clinical testing. Allele origin: germline.

Natera, Inc.
Classification: Benign for Usher syndrome type 2A. Last evaluated: 2020-09-16. Review status: no assertion criteria provided. Collection method: clinical testing. Allele origin: germline. Not counted in ClinVar's aggregate classification.

NEI Ophthalmic Genomics Laboratory, National Institutes of Health
No classification provided. Review status: no classification provided. Collection method: not provided. Allele origin: not provided. Not counted in ClinVar's aggregate classification.

NM_206933.4(USH2A):c.1931A>T (p.Asp644Val)

Gene: USH2A (usherin; minus strand). Cytogenetic location: 1q41.
Variant type: single nucleotide variant.
Coding change: c.1931A>T on transcript NM_206933.4 (MANE Select); coding-DNA position 1931, A replaced by T.
Protein change: p.Asp644Val; replaces aspartic acid 644 with valine.
Molecular consequence: missense variant.
Genome position (GRCh38, 1-based): chr1:216,289,320, T>A on the plus strand (A>T on the coding strand, the complement: USH2A is on the minus strand). VCF-style: chr1-216289320-T-A. GRCh37 (hg19) VCF-style: chr1-216462662-T-A.
Other names: p.D644V:GAT>GTT; c.1931A>T, p.Asp644Val (NM_007123.6); short protein forms D644V.
Identifiers: ClinVar variation 48478 (VCV000048478.27), dbSNP rs1805048, ClinGen allele CA143425.
Genomic context (GRCh38, chr1:216,289,320, plus strand): 5'-AAATACTCAGAAAAACTCACCTGATCACAAAGAATGCTACCATTTCTAGTGCCAACTGTA[T>A]CACAGTCACAGGGTTTGCAAACATCTATGGCCGAAGGATCTGCACCAACTTGTCGGAAAA-3'
Protein context (NP_996816.3, residues 634-654): AIDVCKPCDC[Asp644Val]TVGTRNGSIL